The following is an entry in ClinVar:

ClinVar aggregate classification (germline): Pathogenic (1 of 4 stars; one submission).

Conditions:
Hereditary cancer-predisposing syndrome. Also called: Tumor predisposition; Hereditary Cancer Syndrome; Hereditary neoplastic syndrome; Neoplastic Syndromes, Hereditary. Identifiers: Orphanet 140162, MedGen C0027672, MeSH D009386, MONDO:0015356.

Submission:

Ambry Genetics
Classification: Pathogenic for Hereditary cancer-predisposing syndrome. Last evaluated: 2024-06-04. Review status: criteria provided, single submitter. Criteria: Ambry Variant Classification Scheme 2023. Collection method: clinical testing. Allele origin: germline.
Comment: The c.262delG pathogenic mutation, located in coding exon 1 of the MEN1 gene, results from a deletion of one nucleotide at nucleotide position 262, causing a translational frameshift with a predicted alternate stop codon (p.A88Pfs*31). This variant is considered to be rare based on population cohorts in the Genome Aggregation Database (gnomAD). This alteration is expected to result in loss of function by premature protein truncation or nonsense-mediated mRNA decay. As such, this alteration is interpreted as a disease-causing mutation.

NM_001370259.2(MEN1):c.262del (p.Ala88fs)

Gene: MEN1 (menin 1; minus strand). Cytogenetic location: 11q13.1.
Variant type: Deletion.
Coding change: c.262del on transcript NM_001370259.2 (MANE Select); coding-DNA position 262, one base deleted (G; older notation c.262delG).
Protein change: p.Ala88fs; shifts the reading frame from alanine 88.
Molecular consequence: frameshift variant. On other transcripts: non-coding transcript variant (4).
Genome position (GRCh38, 1-based): chr11:64,809,848, C deleted on the plus strand (G on the coding strand, the reverse complement: MEN1 is on the minus strand). VCF-style (leftmost placement, unchanged base first): chr11-64809847-GC-G. GRCh37 (hg19) VCF-style: chr11-64577319-GC-G.
Other names: c.262del, p.Ala88fs (NM_001407151.1, NM_001407152.1, NM_130799.3 and 20 more transcripts); short protein forms A88fs.
Identifiers: ClinVar variation 3294222 (VCV003294222.1).
Genomic context (GRCh38, chr11:64,809,847, plus strand): 5'-CGAGGATAGAGGGACAGGTCGACGGCGCCTCGGATCTGGGCGGTGAAGCGGGCATAGAGG[GC>G]GGCGATGATAGACAGGTCGGCCACGGGAAAGTAGGTGAGGCCGCCAGGCGGGTCGGGGGC-3'